The following is an entry in ClinVar:

ClinVar aggregate classification (germline): Uncertain significance (1 of 4 stars; one submission).

Conditions:
Familial cancer of breast. Also called: hereditary breast carcinoma; BREAST CANCER, FAMILIAL; Hereditary breast cancer. Identifiers: Orphanet 227535, MedGen C0346153, MONDO:0016419, OMIM 114480. Disease mechanism: loss of function.
Fanconi anemia complementation group J. Also called: BRIP1-Related Fanconi Anemia. Identifiers: Orphanet 84, MedGen C1836860, MONDO:0012187, OMIM 609054.

Submission:

Labcorp Genetics (formerly Invitae), Labcorp
Classification: Uncertain significance for Familial cancer of breast; Fanconi anemia complementation group J. Last evaluated: 2018-10-04. Review status: criteria provided, single submitter. Criteria: Invitae Variant Classification Sherloc (09022015). Collection method: clinical testing. Allele origin: germline.
Comment: This variant is not present in population databases (ExAC no frequency). In summary, the available evidence is currently insufficient to determine the role of this variant in disease. Therefore, it has been classified as a Variant of Uncertain Significance. Algorithms developed to predict the effect of missense changes on protein structure and function output the following: SIFT: "Tolerated"; PolyPhen-2: "Benign"; Align-GVGD: "Class C0". The glycine amino acid residue is found in multiple mammalian species, suggesting that this missense change does not adversely affect protein function. These predictions have not been confirmed by published functional studies and their clinical significance is uncertain. This variant has not been reported in the literature in individuals with BRIP1-related disease. This sequence change replaces glutamic acid with glycine at codon 910 of the BRIP1 protein (p.Glu910Gly). The glutamic acid residue is weakly conserved and there is a moderate physicochemical difference between glutamic acid and glycine.

NM_032043.3(BRIP1):c.2729A>G (p.Glu910Gly)

Gene: BRIP1 (BRCA1 interacting DNA helicase 1; minus strand). Cytogenetic location: 17q23.2.
Variant type: single nucleotide variant.
Coding change: c.2729A>G on transcript NM_032043.3 (MANE Select); coding-DNA position 2729, A replaced by G.
Protein change: p.Glu910Gly; replaces glutamic acid 910 with glycine.
Molecular consequence: missense variant.
Genome position (GRCh38, 1-based): chr17:61,686,012, T>C on the plus strand (A>G on the coding strand, the complement: BRIP1 is on the minus strand). VCF-style: chr17-61686012-T-C. GRCh37 (hg19) VCF-style: chr17-59763373-T-C.
Other names: short protein forms E910G.
Identifiers: ClinVar variation 646648 (VCV000646648.9), dbSNP rs1603276787, ClinGen allele CA400481652.